The following is an entry in ClinVar:

NM_014915.3(ANKRD26):c.3430A>T (p.Met1144Leu)

Gene: ANKRD26 (ankyrin repeat domain containing 26; minus strand). Cytogenetic location: 10p12.1.
Variant type: single nucleotide variant.
Coding change: c.3430A>T on transcript NM_014915.3 (MANE Select); coding-DNA position 3430, A replaced by T.
Protein change: p.Met1144Leu; replaces methionine 1144 with leucine.
Molecular consequence: missense variant.
Genome position (GRCh38, 1-based): chr10:27,035,020, T>A on the plus strand (A>T on the coding strand, the complement: ANKRD26 is on the minus strand). VCF-style: chr10-27035020-T-A. GRCh37 (hg19) VCF-style: chr10-27323949-T-A.
Other names: c.3427A>T, p.Met1143Leu (NM_001256053.2); short protein forms M1143L, M1144L.
Identifiers: ClinVar variation 3915044 (VCV003915044.1).

ClinVar aggregate classification (germline): Uncertain significance (1 of 4 stars; one submission).

Conditions:
Inborn genetic diseases. Identifiers: MedGen C0950123, MeSH D030342.

Submission:

Ambry Genetics
Classification: Uncertain significance for Inborn genetic diseases. Last evaluated: 2025-06-06. Review status: criteria provided, single submitter. Criteria: Ambry Variant Classification Scheme 2023. Collection method: clinical testing. Allele origin: germline.
Comment: The p.M1144L variant (also known as c.3430A>T), located in coding exon 24 of the ANKRD26 gene, results from an A to T substitution at nucleotide position 3430. The methionine at codon 1144 is replaced by leucine, an amino acid with highly similar properties. This amino acid position is conserved. In addition, this alteration is predicted to be tolerated by in silico analysis. Based on the available evidence, the clinical significance of this variant remains unclear.